The following is an entry in ClinVar:

NM_001903.5(CTNNA1):c.2581A>G (p.Met861Val)

Gene: CTNNA1 (catenin alpha 1; plus strand). Cytogenetic location: 5q31.2.
Variant type: single nucleotide variant.
Coding change: c.2581A>G on transcript NM_001903.5 (MANE Select); coding-DNA position 2581, A replaced by G.
Protein change: p.Met861Val; replaces methionine 861 with valine.
Molecular consequence: missense variant. On other transcripts: 3 prime UTR variant (5).
Genome position (GRCh38, 1-based): chr5:138,933,949, A>G. VCF-style: chr5-138933949-A-G. GRCh37 (hg19) VCF-style: chr5-138269638-A-G.
Other names: c.*126A>G (NM_001290307.3, NM_001324002.1, NM_001324003.1 and 2 more transcripts); c.2272A>G, p.Met758Val (NM_001290309.3); c.2212A>G, p.Met738Val (NM_001290310.3); c.1471A>G, p.Met491Val (NM_001290312.1, NM_001323987.1, NM_001323988.1 and 12 more transcripts); c.2581A>G, p.Met861Val (NM_001323982.2, NM_001323983.1, NM_001323984.2); c.2554A>G, p.Met852Val (NM_001323985.2); c.2488A>G, p.Met830Val (NM_001323986.2); c.1336A>G, p.Met446Val (NM_001324001.1); and 4 more; short protein forms M491V, M410V, M738V, M830V, M378V, M446V, M460V, M861V.
Identifiers: ClinVar variation 657577 (VCV000657577.12), dbSNP rs1290158082, ClinGen allele CA361135526.

ClinVar aggregate classification (germline): Uncertain significance. Review status: criteria provided, multiple submitters, no conflicts (2 of 4 stars). 4 submissions from 4 submitters: Uncertain significance (3). 1 of the submissions does not count toward it. Last evaluated 2025-07-31.

Conditions:
CTNNA1-related disorder. Also called: CTNNA1-related condition.
Hereditary cancer-predisposing syndrome. Also called: Neoplastic Syndromes, Hereditary; Hereditary Cancer Syndrome; Tumor predisposition; Hereditary neoplastic syndrome. Identifiers: Orphanet 140162, MedGen C0027672, MeSH D009386, MONDO:0015356.

Allele frequency attached by ClinVar (database versions not stated): gnomAD exomes below 0.00001 and 0.00001.
gnomAD v4.1: 11 of 1,614,212 alleles (0.00068%); highest among the groups gnomAD compares: African/African-American, 0.0013%; no homozygotes.

Submissions (4):

Labcorp Genetics (formerly Invitae), Labcorp
Classification: Uncertain significance. Last evaluated: 2025-07-31. Review status: criteria provided, single submitter. Criteria: Invitae Variant Classification Sherloc (09022015). Collection method: clinical testing. Allele origin: germline.
Comment: This sequence change replaces methionine, which is neutral and non-polar, with valine, which is neutral and non-polar, at codon 861 of the CTNNA1 protein (p.Met861Val). This variant is present in population databases (no rsID available, gnomAD 0.0009%). This variant has not been reported in the literature in individuals affected with CTNNA1-related conditions. ClinVar contains an entry for this variant (Variation ID: 657577). Invitae Evidence Modeling of protein sequence and biophysical properties (such as structural, functional, and spatial information, amino acid conservation, physicochemical variation, residue mobility, and thermodynamic stability) indicates that this missense variant is not expected to disrupt CTNNA1 protein function with a negative predictive value of 80%. RNA analysis performed to evaluate the impact of this missense change on mRNA splicing indicates it does not significantly alter splicing (internal data). In summary, the available evidence is currently insufficient to determine the role of this variant in disease. Therefore, it has been classified as a Variant of Uncertain Significance.

Ambry Genetics
Classification: Uncertain significance for Hereditary cancer-predisposing syndrome. Last evaluated: 2023-09-01. Review status: criteria provided, single submitter. Criteria: Ambry Variant Classification Scheme 2023. Collection method: clinical testing. Allele origin: germline.
Comment: The p.M861V variant (also known as c.2581A>G), located in coding exon 17 of the CTNNA1 gene, results from an A to G substitution at nucleotide position 2581. The methionine at codon 861 is replaced by valine, an amino acid with highly similar properties. This amino acid position is highly conserved in available vertebrate species. In addition, the in silico prediction for this alteration is inconclusive. The evidence for this gene-disease relationship is limited; therefore, the clinical significance of this alteration is unclear.

Blueprint Genetics
Classification: Uncertain significance. Last evaluated: 2021-10-29. Review status: criteria provided, single submitter. Criteria: ACMG Guidelines, 2015. Collection method: clinical testing. Allele origin: germline.

PreventionGenetics, part of Exact Sciences
Classification: Uncertain significance for CTNNA1-related condition. Last evaluated: 2024-03-12. Review status: no assertion criteria provided. Collection method: clinical testing. Allele origin: germline. Not counted in ClinVar's aggregate classification.
Comment: The CTNNA1 c.2581A>G variant is predicted to result in the amino acid substitution p.Met861Val. This variant was reported multiple times in a cohort of individuals who underwent genetics testing for gastric and/or breast cancer (Clark et al. 2020. PubMed ID: 32051609). This variant is reported in 0.00088% of alleles in individuals of European (Non-Finnish) descent in gnomAD and has been classified as variant of uncertain significance in Clinvar. At this time, the clinical significance of this variant is uncertain due to the absence of conclusive functional and genetic evidence.